The following is an entry in ClinVar:

NM_024596.5(MCPH1):c.1256A>C (p.Asp419Ala)

Gene: MCPH1 (microcephalin 1; plus strand). Cytogenetic location: 8p23.1.
Variant type: single nucleotide variant.
Coding change: c.1256A>C on transcript NM_024596.5 (MANE Select); coding-DNA position 1256, A replaced by C.
Protein change: p.Asp419Ala; replaces aspartic acid 419 with alanine.
Molecular consequence: missense variant. On other transcripts: non-coding transcript variant (1).
Genome position (GRCh38, 1-based): chr8:6,444,978, A>C. VCF-style: chr8-6444978-A-C. GRCh37 (hg19) VCF-style: chr8-6302499-A-C.
Other names: c.1256A>C, p.Asp419Ala (NM_001172574.2, NM_001322042.2, NM_001363979.1 and 3 more transcripts); c.1112A>C, p.Asp371Ala (NM_001172575.2); c.1250A>C, p.Asp417Ala (NM_001322043.2); c.1154A>C, p.Asp385Ala (NM_001322045.2); short protein forms D371A, D385A, D419A, D417A.
Identifiers: ClinVar variation 1958296 (VCV001958296.2), dbSNP rs2486148436, ClinGen allele CA370221257.

ClinVar aggregate classification (germline): Uncertain significance (1 of 4 stars; one submission).

Submission:

Labcorp Genetics (formerly Invitae), Labcorp
Classification: Uncertain significance. Last evaluated: 2022-08-05. Review status: criteria provided, single submitter. Criteria: Invitae Variant Classification Sherloc (09022015). Collection method: clinical testing. Allele origin: germline.
Comment: This sequence change replaces aspartic acid, which is acidic and polar, with alanine, which is neutral and non-polar, at codon 419 of the MCPH1 protein (p.Asp419Ala). This variant is not present in population databases (gnomAD no frequency). This variant has not been reported in the literature in individuals affected with MCPH1-related conditions. Algorithms developed to predict the effect of missense changes on protein structure and function are either unavailable or do not agree on the potential impact of this missense change (SIFT: "Not Available"; PolyPhen-2: "Probably Damaging"; Align-GVGD: "Not Available"). In summary, the available evidence is currently insufficient to determine the role of this variant in disease. Therefore, it has been classified as a Variant of Uncertain Significance.